The following is an entry in ClinVar:

NM_201384.3(PLEC):c.3448C>T (p.Arg1150Trp)

Gene: PLEC (plectin; minus strand). Cytogenetic location: 8q24.3.
Variant type: single nucleotide variant.
Coding change: c.3448C>T on transcript NM_201384.3 (MANE Select); coding-DNA position 3448, C replaced by T.
Protein change: p.Arg1150Trp; replaces arginine 1150 with tryptophan.
Molecular consequence: missense variant.
Genome position (GRCh38, 1-based): chr8:143,927,718, G>A on the plus strand (C>T on the coding strand, the complement: PLEC is on the minus strand). VCF-style: chr8-143927718-G-A. GRCh37 (hg19) VCF-style: chr8-145001886-G-A.
Other names: c.3529C>T (NM_000445.3); c.3529C>T, p.Arg1177Trp (NM_000445.5); c.3406C>T, p.Arg1136Trp (NM_201378.4); c.3382C>T, p.Arg1128Trp (NM_201379.3); c.3859C>T, p.Arg1287Trp (NM_201380.4); c.3352C>T, p.Arg1118Trp (NM_201381.3); c.3448C>T, p.Arg1150Trp (NM_201382.4); c.3460C>T, p.Arg1154Trp (NM_201383.3); short protein forms R1128W, R1150W, R1154W, R1177W, R1118W, R1136W, R1287W.
Identifiers: ClinVar variation 1480074 (VCV001480074.12), dbSNP rs782267740, ClinGen allele CA4927060.

ClinVar aggregate classification (germline): Uncertain significance. Review status: criteria provided, multiple submitters, no conflicts (2 of 4 stars). 3 submissions from 3 submitters: Uncertain significance (3). Last evaluated 2025-09-26.

Conditions:
Autosomal recessive limb-girdle muscular dystrophy type 2Q (LGMDR17). Also called: MUSCULAR DYSTROPHY, LIMB-GIRDLE, AUTOSOMAL RECESSIVE 17. Identifiers: Orphanet 254361, MedGen C3150989, MONDO:0013390, OMIM 613723.
Epidermolysis bullosa simplex 5B, with muscular dystrophy (EBS5B). Also called: EPIDERMOLYSIS BULLOSA SIMPLEX AND LIMB-GIRDLE MUSCULAR DYSTROPHY; Epidermolysis bullosa simplex with muscular dystrophy. Identifiers: Orphanet 257, MedGen C2931072, MONDO:0009181, OMIM 226670.
Epidermolysis bullosa simplex, Ogna type (EBS5A). Also called: Pidermolysis bullosa simplex 5A, Ogna type; EPIDERMOLYSIS BULLOSA SIMPLEX 5A, OGNA TYPE. Identifiers: Orphanet 79401, MedGen C0432317, MONDO:0007555, OMIM 131950.
Epidermolysis bullosa simplex with nail dystrophy (EBS5D). Identifiers: MedGen C4225309, MONDO:0014661, OMIM 616487.
Epidermolysis bullosa simplex 5C, with pyloric atresia (EBS5C). Also called: Epidermolysis bullosa simplex with pyloric atresia; PLEC1-Related Epidermolysis Bullosa with Pyloric Atresia; PLEC-Related Epidermolysis Bullosa with Pyloric Atresia. Identifiers: Orphanet 158684, MedGen C2677349, MONDO:0012807, OMIM 612138.
Inborn genetic diseases. Identifiers: MedGen C0950123, MeSH D030342.

Allele frequency attached by ClinVar (database versions not stated): gnomAD 0.00001; TOPMed 0.00001; ExAC 0.00002.

Submissions (3):

Ambry Genetics
Classification: Uncertain significance for Inborn genetic diseases. Last evaluated: 2025-09-26. Review status: criteria provided, single submitter. Criteria: Ambry Variant Classification Scheme 2023. Collection method: clinical testing. Allele origin: germline.

Revvity Omics, Revvity
Classification: Uncertain significance. Last evaluated: 2025-06-12. Review status: criteria provided, single submitter. Criteria: ACMG Guidelines, 2015. Collection method: clinical testing. Allele origin: germline.

Labcorp Genetics (formerly Invitae), Labcorp
Classification: Uncertain significance for Autosomal recessive limb-girdle muscular dystrophy type 2Q; Epidermolysis bullosa simplex, Ogna type; Epidermolysis bullosa simplex with nail dystrophy; Epidermolysis bullosa simplex 5C, with pyloric atresia; Epidermolysis bullosa simplex 5B, with muscular dystrophy. Last evaluated: 2022-07-25. Review status: criteria provided, single submitter. Criteria: Invitae Variant Classification Sherloc (09022015). Collection method: clinical testing. Allele origin: germline.
Comment: This sequence change replaces arginine, which is basic and polar, with tryptophan, which is neutral and slightly polar, at codon 1177 of the PLEC protein (p.Arg1177Trp). The frequency data for this variant in the population databases is considered unreliable, as metrics indicate poor data quality at this position in the gnomAD database. This variant has not been reported in the literature in individuals affected with PLEC-related conditions. ClinVar contains an entry for this variant (Variation ID: 1480074). Algorithms developed to predict the effect of missense changes on protein structure and function are either unavailable or do not agree on the potential impact of this missense change (SIFT: "Deleterious"; PolyPhen-2: "Not Available"; Align-GVGD: "Class C25"). In summary, the available evidence is currently insufficient to determine the role of this variant in disease. Therefore, it has been classified as a Variant of Uncertain Significance.